The following is an entry in ClinVar:

ClinVar aggregate classification (germline): Uncertain significance (1 of 4 stars; one submission).

Conditions:
Deficiency of galactokinase. Also called: Galactokinase deficiency with cataracts; GALACTOSEMIA II. Identifiers: Orphanet 352, Orphanet 79237, MedGen C0268155, MONDO:0009255, OMIM 230200.

gnomAD v4.1: 2 of 1,590,948 alleles (0.00013%); highest among the groups gnomAD compares: Non-Finnish European, 0.00017%; no homozygotes.

Submission:

Labcorp Genetics (formerly Invitae), Labcorp
Classification: Uncertain significance for Deficiency of galactokinase. Last evaluated: 2025-12-17. Review status: criteria provided, single submitter. Criteria: Invitae Variant Classification Sherloc (09022015). Collection method: clinical testing. Allele origin: germline.
Comment: This sequence change replaces glycine, which is neutral and non-polar, with serine, which is neutral and polar, at codon 65 of the GALK1 protein (p.Gly65Ser). This variant is not present in population databases (gnomAD no frequency). This variant has not been reported in the literature in individuals affected with GALK1-related conditions. Invitae Evidence Modeling of protein sequence and biophysical properties (such as structural, functional, and spatial information, amino acid conservation, physicochemical variation, residue mobility, and thermodynamic stability) indicates that this missense variant is not expected to disrupt GALK1 protein function with a negative predictive value of 80%. In summary, the available evidence is currently insufficient to determine the role of this variant in disease. Therefore, it has been classified as a Variant of Uncertain Significance.

NM_000154.2(GALK1):c.193G>A (p.Gly65Ser)

Gene: GALK1 (galactokinase 1; minus strand). Cytogenetic location: 17q25.1.
Variant type: single nucleotide variant.
Coding change: c.193G>A on transcript NM_000154.2 (MANE Select); coding-DNA position 193, G replaced by A.
Protein change: p.Gly65Ser; replaces glycine 65 with serine.
Molecular consequence: missense variant.
Genome position (GRCh38, 1-based): chr17:75,764,059, C>T on the plus strand (G>A on the coding strand, the complement: GALK1 is on the minus strand). VCF-style: chr17-75764059-C-T. GRCh37 (hg19) VCF-style: chr17-73760140-C-T.
Other names: c.193G>A, p.Gly65Ser (NM_001381985.1); short protein forms G65S.
Identifiers: ClinVar variation 4690438 (VCV004690438.1).